The following is an entry in ClinVar:

ClinVar aggregate classification (germline): Uncertain significance (1 of 4 stars; one submission).

Allele frequency attached by ClinVar (database versions not stated): gnomAD 0.00001; TOPMed 0.00002; ExAC 0.00003; gnomAD exomes 0.00006; 1000 Genomes Project 0.00020; 1000 Genomes Project 30x 0.00031.
gnomAD v4.1: 82 of 1,614,110 alleles (0.0051%); highest among the groups gnomAD compares: South Asian, 0.021%; no homozygotes.

Submission:

Labcorp Genetics (formerly Invitae), Labcorp
Classification: Uncertain significance. Last evaluated: 2024-03-01. Review status: criteria provided, single submitter. Criteria: Invitae Variant Classification Sherloc (09022015). Collection method: clinical testing. Allele origin: germline.
Comment: This sequence change replaces glycine, which is neutral and non-polar, with serine, which is neutral and polar, at codon 724 of the TFRC protein (p.Gly724Ser). This variant is present in population databases (rs536971550, gnomAD 0.03%). This variant has not been reported in the literature in individuals affected with TFRC-related conditions. ClinVar contains an entry for this variant (Variation ID: 2189922). Algorithms developed to predict the effect of missense changes on protein structure and function output the following: SIFT: "Not Available"; PolyPhen-2: "Benign"; Align-GVGD: "Not Available". The serine amino acid residue is found in multiple mammalian species, which suggests that this missense change does not adversely affect protein function. In summary, the available evidence is currently insufficient to determine the role of this variant in disease. Therefore, it has been classified as a Variant of Uncertain Significance.

NM_001128148.3(TFRC):c.2170G>A (p.Gly724Ser)

Gene: TFRC (transferrin receptor; minus strand). Cytogenetic location: 3q29.
Variant type: single nucleotide variant.
Coding change: c.2170G>A on transcript NM_001128148.3 (MANE Select); coding-DNA position 2170, G replaced by A.
Protein change: p.Gly724Ser; replaces glycine 724 with serine.
Molecular consequence: missense variant.
Genome position (GRCh38, 1-based): chr3:196,052,055, C>T on the plus strand (G>A on the coding strand, the complement: TFRC is on the minus strand). VCF-style: chr3-196052055-C-T. GRCh37 (hg19) VCF-style: chr3-195778926-C-T.
Other names: c.1927G>A, p.Gly643Ser (NM_001313965.2); c.1324G>A, p.Gly442Ser (NM_001313966.2); c.2170G>A, p.Gly724Ser (NM_003234.4); short protein forms G442S, G643S, G724S.
Identifiers: ClinVar variation 2189922 (VCV002189922.4), dbSNP rs536971550, ClinGen allele CA2777690.